The following is an entry in ClinVar:

NM_138413.4(HOGA1):c.811C>T (p.Arg271Cys)

Gene: HOGA1 (4-hydroxy-2-oxoglutarate aldolase 1; plus strand). Cytogenetic location: 10q24.2.
Variant type: single nucleotide variant.
Coding change: c.811C>T on transcript NM_138413.4 (MANE Select); coding-DNA position 811, C replaced by T.
Protein change: p.Arg271Cys; replaces arginine 271 with cysteine.
Molecular consequence: missense variant.
Genome position (GRCh38, 1-based): chr10:97,601,967, C>T. VCF-style: chr10-97601967-C-T. GRCh37 (hg19) VCF-style: chr10-99361724-C-T.
Other names: c.811C>T (NM_138413.3); c.322C>T, p.Arg108Cys (NM_001134670.2); short protein forms R108C, R271C.
Identifiers: ClinVar variation 1072433 (VCV001072433.16), dbSNP rs367741588, ClinGen allele CA5634248.

ClinVar aggregate classification (germline): Pathogenic/Likely pathogenic. Review status: criteria provided, multiple submitters, no conflicts (2 of 4 stars). 7 submissions from 7 submitters: Pathogenic (2); Likely pathogenic (4). 1 of the submissions does not count toward it. Last evaluated 2025-09-04.

Conditions:
Primary hyperoxaluria type 3. Also called: PH III. Identifiers: Orphanet 416, Orphanet 93600, MedGen C3150878, MONDO:0013327, OMIM 613616. Disease mechanism: loss of function.
HOGA1-related disorders.

Allele frequency attached by ClinVar (database versions not stated): TOPMed 0.00004; gnomAD 0.00005 and 0.00006; ESP Exome Variant Server 0.00008; gnomAD exomes 0.00011; ExAC 0.00017.
gnomAD v4.1: 91 of 1,612,582 alleles (0.0056%); highest among the groups gnomAD compares: Middle Eastern, 0.051%; no homozygotes.

Submissions (7):

Natera, Inc.
Classification: Likely pathogenic for Primary hyperoxaluria type III. Last evaluated: 2025-09-04. Review status: criteria provided, single submitter. Criteria: Natera Variant Classification Schema (03/2026). Collection method: clinical testing. Allele origin: germline.
Comment: The c.811C>T variant in HOGA1 is a missense variant predicted to cause substitution of arginine to cysteine at amino acid 271. The frequency of this variant in the general population is greater than expected for disorder. This variant has been observed in one or more individuals affected with the associated recessive disease, as either homozygous or compound heterozygous with a second variant (PMID: 37306718, 37144129, 31401635, 31123811). A different variant at the same position has been determined to be Pathogenic or Likely Pathogenic. Computational prediction algorithms indicate this variant is likely to affect gene or protein function. Given the available evidence, this variant is classified as Likely Pathogenic.

Labcorp Genetics (formerly Invitae), Labcorp
Classification: Pathogenic. Last evaluated: 2024-12-04. Review status: criteria provided, single submitter. Criteria: Invitae Variant Classification Sherloc (09022015). Collection method: clinical testing. Allele origin: germline.
Comment: This sequence change replaces arginine, which is basic and polar, with cysteine, which is neutral and slightly polar, at codon 271 of the HOGA1 protein (p.Arg271Cys). This variant is present in population databases (rs367741588, gnomAD 0.05%). This missense change has been observed in individuals with hyperoxaluria (PMID: 31123811, 31401635; internal data). ClinVar contains an entry for this variant (Variation ID: 1072433). Invitae Evidence Modeling of protein sequence and biophysical properties (such as structural, functional, and spatial information, amino acid conservation, physicochemical variation, residue mobility, and thermodynamic stability) indicates that this missense variant is expected to disrupt HOGA1 protein function with a positive predictive value of 95%. This variant disrupts the p.Arg271 amino acid residue in HOGA1. Other variant(s) that disrupt this residue have been determined to be pathogenic (PMID: 31123811, 31401635). This suggests that this residue is clinically significant, and that variants that disrupt this residue are likely to be disease-causing. For these reasons, this variant has been classified as Pathogenic.

Blueprint Genetics
Classification: Pathogenic for HOGA1-related disorders. Last evaluated: 2024-11-01. Review status: criteria provided, single submitter. Criteria: ACMG Guidelines, 2015. Collection method: clinical testing. Allele origin: germline. Affected: yes. Observed: 3 variant alleles.

Myriad Genetics, Inc.
Classification: Likely pathogenic for Primary hyperoxaluria type 3. Last evaluated: 2024-07-29. Review status: criteria provided, single submitter. Criteria: Myriad Autosomal Dominant, Autosomal Recessive and X-Linked Classification Criteria (2023). Collection method: clinical testing. Allele origin: unknown.
Comment: NM_138413.3(HOGA1):c.811C>T(R271C) is a missense variant classified as likely pathogenic in the context of primary hyperoxaluria type 3. R271C has been observed in cases with relevant disease (PMID: 31401635, 37306718, 31123811, 35149915). Relevant functional assessments of this variant are not available in the literature. R271C has been observed in referenced population frequency databases. Please note: this variant was assessed in the context of healthy population screening.

Fulgent Genetics
Classification: Likely pathogenic for Primary hyperoxaluria type 3. Last evaluated: 2024-05-06. Review status: criteria provided, single submitter. Criteria: ACMG Guidelines, 2015. Collection method: clinical testing. Allele origin: germline.

Clinical Biochemistry Laboratory, Health Services Laboratory
Classification: Likely pathogenic for Primary hyperoxaluria type 3. Last evaluated: 2023-10-27. Review status: criteria provided, single submitter. Criteria: ACMG Guidelines, 2015. Collection method: curation. Allele origin: germline. Affected: yes.
Comment: ACMG:PM1 PM2 PM3 PM5 PP3

Chinese Inherited Urolithiasis Consortium, The Affiliated Yantai Yuhuangding Hospital of Qingdao University
Classification: Pathogenic for Primary hyperoxaluria type 3. Last evaluated: 2024-08-26. Review status: no assertion criteria provided. Collection method: clinical testing. Allele origin: maternal, paternal. Affected: yes. Observed: 2 variant alleles. Not counted in ClinVar's aggregate classification.

Literature cited by the submitters: PubMed 37306718 (cited by Natera, Inc. and Myriad Genetics, Inc.); PubMed 37144129 (cited by Natera, Inc.); PubMed 31401635 (cited by 4 submitters); PubMed 31123811 (cited by 4 submitters); PubMed 35149915 (cited by Myriad Genetics, Inc.).